The following is an entry in ClinVar:

NM_007217.4(PDCD10):c.268+1G>A

Gene: PDCD10 (programmed cell death 10; minus strand). Cytogenetic location: 3q26.1.
Variant type: single nucleotide variant.
Coding change: c.268+1G>A on transcript NM_007217.4 (MANE Select); the canonical splice donor site of the intron after coding-DNA position 268, G replaced by A.
Molecular consequence: splice donor variant.
Genome position (GRCh38, 1-based): chr3:167,697,008, C>T on the plus strand (G>A on the coding strand, the complement: PDCD10 is on the minus strand). VCF-style: chr3-167697008-C-T. GRCh37 (hg19) VCF-style: chr3-167414796-C-T.
Other names: c.268+1G>A (NM_145860.2, NM_145859.2).
Identifiers: ClinVar variation 489298 (VCV000489298.3), dbSNP rs1553761217, ClinGen allele CA355154691.

ClinVar aggregate classification (germline): Pathogenic. Review status: criteria provided, multiple submitters, no conflicts (2 of 4 stars). 2 submissions from 2 submitters: Pathogenic (2). Last evaluated 2025-10-02.

Submissions (2):

Mayo Clinic Laboratories, Mayo Clinic
Classification: Pathogenic. Last evaluated: 2025-10-02. Review status: criteria provided, single submitter. Criteria: ACMG Guidelines, 2015. Collection method: clinical testing. Allele origin: germline. Observed: 1 variant allele.
Comment: PP4, PM2_supporting, PS1_supporting, PVS1

GeneDx
Classification: Pathogenic. Last evaluated: 2018-01-03. Review status: criteria provided, single submitter. Criteria: GeneDx Variant Classification (06012015). Collection method: clinical testing. Allele origin: germline. Affected: yes.
Comment: The c.268+1 G>A splice site variant in the PDCD10 gene destroys the canonical splice donor site in intron 4. It is predicted to cause abnormal gene splicing, either leading to an abnormal message that is subject to nonsense-mediated mRNA decay, or to an abnormal protein product if the message is used for protein translation. The c.268+1 G>A variant is not observed in large population cohorts (Lek et al., 2016).